The following is an entry in ClinVar:

ClinVar aggregate classification (germline): Likely pathogenic (1 of 4 stars; one submission).

Conditions:
Hereditary hemochromatosis (HFE). Identifiers: MedGen C0392514, MONDO:0006507. Disease mechanism: loss of function.

Allele frequency attached by ClinVar (database versions not stated): gnomAD exomes 0.00001.
gnomAD v4.1: 6 of 1,614,188 alleles (0.00037%); highest among the groups gnomAD compares: Non-Finnish European, 0.00042%; no homozygotes.

Submission:

Labcorp Genetics (formerly Invitae), Labcorp
Classification: Likely pathogenic for Hereditary hemochromatosis. Last evaluated: 2024-01-11. Review status: criteria provided, single submitter. Criteria: Invitae Variant Classification Sherloc (09022015). Collection method: clinical testing. Allele origin: germline.
Comment: This sequence change affects a donor splice site in intron 7 of the TFR2 gene. It is expected to disrupt RNA splicing. Variants that disrupt the donor or acceptor splice site typically lead to a loss of protein function (PMID: 16199547), and loss-of-function variants in TFR2 are known to be pathogenic (PMID: 23600741, 26029709). This variant is not present in population databases (gnomAD no frequency). This variant has not been reported in the literature in individuals affected with TFR2-related conditions. ClinVar contains an entry for this variant (Variation ID: 1067632). Algorithms developed to predict the effect of sequence changes on RNA splicing suggest that this variant may disrupt the consensus splice site. In summary, the currently available evidence indicates that the variant is pathogenic, but additional data are needed to prove that conclusively. Therefore, this variant has been classified as Likely Pathogenic.

Literature cited by the submitters: PubMed 16199547; PubMed 23600741; PubMed 26029709.

NM_003227.4(TFR2):c.966+1G>C

Gene: TFR2 (transferrin receptor 2; minus strand). Cytogenetic location: 7q22.1.
Variant type: single nucleotide variant.
Coding change: c.966+1G>C on transcript NM_003227.4 (MANE Select); the canonical splice donor site of the intron after coding-DNA position 966, G replaced by C.
Molecular consequence: splice donor variant.
Genome position (GRCh38, 1-based): chr7:100,632,081, C>G on the plus strand (G>C on the coding strand, the complement: TFR2 is on the minus strand). VCF-style: chr7-100632081-C-G. GRCh37 (hg19) VCF-style: chr7-100229704-C-G.
Other names: c.453+1G>C (NM_001206855.3).
Identifiers: ClinVar variation 1067632 (VCV001067632.7), dbSNP rs2131318652, ClinGen allele CA368532501.